The following is an entry in ClinVar:

ClinVar aggregate classification (germline): Uncertain significance. Review status: criteria provided, single submitter (1 of 4 stars). 2 submissions from 2 submitters: Uncertain significance (1). 1 of the submissions does not count toward it. Last evaluated 2025-06-16.

Conditions:
Fanconi anemia (FA). Also called: Fanconi's anemia. Identifiers: Orphanet 84, MedGen C0015625, MeSH D005199, MONDO:0019391.
Inborn genetic diseases. Identifiers: MedGen C0950123, MeSH D030342.

Submissions (2):

Ambry Genetics
Classification: Uncertain significance for Inborn genetic diseases. Last evaluated: 2025-06-16. Review status: criteria provided, single submitter. Criteria: Ambry Variant Classification Scheme 2023. Collection method: clinical testing. Allele origin: germline.
Comment: The p.H780Y variant (also known as c.2338C>T), located in coding exon 26 of the FANCA gene, results from a C to T substitution at nucleotide position 2338. The histidine at codon 780 is replaced by tyrosine, an amino acid with similar properties. This amino acid position is conserved. In addition, this alteration is predicted to be deleterious by in silico analysis. Based on the available evidence, the clinical significance of this variant remains unclear.

Natera, Inc.
Classification: Uncertain significance for Fanconi anemia. Last evaluated: 2025-05-12. Review status: no assertion criteria provided. Collection method: clinical testing. Allele origin: germline. Not counted in ClinVar's aggregate classification.

NM_000135.4(FANCA):c.2338C>T (p.His780Tyr)

Gene: FANCA (FA complementation group A; minus strand). Cytogenetic location: 16q24.3.
Variant type: single nucleotide variant.
Coding change: c.2338C>T on transcript NM_000135.4 (MANE Select); coding-DNA position 2338, C replaced by T.
Protein change: p.His780Tyr; replaces histidine 780 with tyrosine.
Molecular consequence: missense variant.
Genome position (GRCh38, 1-based): chr16:89,770,003, G>A on the plus strand (C>T on the coding strand, the complement: FANCA is on the minus strand). VCF-style: chr16-89770003-G-A. GRCh37 (hg19) VCF-style: chr16-89836411-G-A.
Other names: c.2338C>T, p.His780Tyr (NM_001286167.3); c.2338C>T (NM_000135.3); short protein forms H780Y.
Identifiers: ClinVar variation 4022383 (VCV004022383.3).
Genomic context (GRCh38, chr16:89,770,003, plus strand): 5'-CTGGGAGCGCAGACCTGGACTCACCCAGGTGCACGGCCAGGGCAGCCAACCCCAGCACAT[G>A]TGGGGCACTCAGGCTCGGGCCCTGCAACGAGAATGAGGGTGGCAGAGCAGACTGCCCTCT-3'
Protein context (NP_000126.2, residues 770-790): RHQGPSLSAP[His780Tyr]VLGLAALAVH